The following is an entry in ClinVar:

ClinVar aggregate classification (germline): Uncertain significance. Review status: criteria provided, multiple submitters, no conflicts (2 of 4 stars). 3 submissions from 3 submitters: Uncertain significance (3). Last evaluated 2024-08-17.

Conditions:
Classic or attenuated familial adenomatous polyposis. Identifiers: MedGen CN372698, MONDO:0021057.
Familial adenomatous polyposis 1 (FAP1). Also called: FAMILIAL ADENOMATOUS POLYPOSIS 1, ATTENUATED; POLYPOSIS, ADENOMATOUS INTESTINAL. Identifiers: MedGen C2713442, MONDO:0021056, OMIM 175100. Disease mechanism: loss of function.
Hereditary cancer-predisposing syndrome. Also called: Tumor predisposition; Neoplastic Syndromes, Hereditary; Hereditary neoplastic syndrome; Hereditary Cancer Syndrome. Identifiers: Orphanet 140162, MedGen C0027672, MeSH D009386, MONDO:0015356.

Allele frequency attached by ClinVar (database versions not stated): gnomAD 0.00001; TOPMed 0.00001.
gnomAD v4.1: 7 of 1,614,052 alleles (0.00043%); highest among the groups gnomAD compares: Non-Finnish European, 0.00051%; no homozygotes.

Submissions (3):

Ambry Genetics
Classification: Uncertain significance for Hereditary cancer-predisposing syndrome. Last evaluated: 2024-08-17. Review status: criteria provided, single submitter. Criteria: Ambry Variant Classification Scheme 2023. Collection method: clinical testing. Allele origin: germline.
Comment: The p.S881T variant (also known as c.2641T>A), located in coding exon 15 of the APC gene, results from a T to A substitution at nucleotide position 2641. The serine at codon 881 is replaced by threonine, an amino acid with similar properties. This amino acid position is not well conserved in available vertebrate species. In addition, in silico predictors for this gene do not accurately predict pathogenicity. Since supporting evidence is limited at this time, the clinical significance of this alteration remains unclear.

Labcorp Genetics (formerly Invitae), Labcorp
Classification: Uncertain significance for Familial adenomatous polyposis 1. Last evaluated: 2024-07-09. Review status: criteria provided, single submitter. Criteria: Invitae Variant Classification Sherloc (09022015). Collection method: clinical testing. Allele origin: germline.
Comment: This sequence change replaces serine, which is neutral and polar, with threonine, which is neutral and polar, at codon 881 of the APC protein (p.Ser881Thr). This variant is not present in population databases (gnomAD no frequency). This variant has not been reported in the literature in individuals affected with APC-related conditions. ClinVar contains an entry for this variant (Variation ID: 849253). Advanced modeling of protein sequence and biophysical properties (such as structural, functional, and spatial information, amino acid conservation, physicochemical variation, residue mobility, and thermodynamic stability) performed at Invitae indicates that this missense variant is not expected to disrupt APC protein function with a negative predictive value of 95%. In summary, the available evidence is currently insufficient to determine the role of this variant in disease. Therefore, it has been classified as a Variant of Uncertain Significance.

All of Us Research Program, National Institutes of Health
Classification: Uncertain significance for Classic or attenuated familial adenomatous polyposis. Last evaluated: 2024-04-16. Review status: criteria provided, single submitter. Criteria: ACMG Guidelines, 2015. Collection method: clinical testing. Allele origin: germline. Inheritance: Autosomal dominant inheritance. Observed: 1 variant allele, 1 heterozygote.
Comment: This missense variant replaces serine with threonine at codon 881 of the APC protein. Computational prediction suggests that this variant may not impact protein structure and function (internally defined REVEL score threshold <= 0.5, PMID: 27666373). To our knowledge, functional studies have not been reported for this variant. This variant has not been reported in individuals affected with APC-related disorders in the literature. This variant has not been identified in the general population by the Genome Aggregation Database (gnomAD). The available evidence is insufficient to determine the role of this variant in disease conclusively. Therefore, this variant is classified as a Variant of Uncertain Significance.

This study involves interpretation of variants in research participants for the purpose of population health screening. Participant phenotype was not available at the time of variant classification. Additional details can be found in publication PMID: 35346344, PMCID: PMC8962531

NM_000038.6(APC):c.2641T>A (p.Ser881Thr)

Gene: APC (APC regulator of Wnt signaling pathway; plus strand). Cytogenetic location: 5q22.2.
Variant type: single nucleotide variant.
Coding change: c.2641T>A on transcript NM_000038.6 (MANE Select); coding-DNA position 2641, T replaced by A.
Protein change: p.Ser881Thr; replaces serine 881 with threonine.
Molecular consequence: missense variant.
Genome position (GRCh38, 1-based): chr5:112,838,235, T>A. VCF-style: chr5-112838235-T-A. GRCh37 (hg19) VCF-style: chr5-112173932-T-A.
Other names: c.2338T>A, p.Ser780Thr (NM_001354903.2); c.2263T>A, p.Ser755Thr (NM_001354904.2); c.2161T>A, p.Ser721Thr (NM_001354905.2); c.1792T>A, p.Ser598Thr (NM_001354906.2); c.2641T>A, p.Ser881Thr (NM_001127510.3, NM_001354895.2); c.2587T>A, p.Ser863Thr (NM_001127511.3); c.2695T>A, p.Ser899Thr (NM_001354896.2); c.2671T>A, p.Ser891Thr (NM_001354897.2); and 5 more; short protein forms S822T, S853T, S856T, S899T, S598T, S780T, S790T, S863T.
Identifiers: ClinVar variation 849253 (VCV000849253.15), dbSNP rs905341123, ClinGen allele CA16027106.